The following is an entry in ClinVar:

NM_000726.5(CACNB4):c.792T>C (p.Ser264=)

Gene: CACNB4 (calcium voltage-gated channel auxiliary subunit beta 4; minus strand). Cytogenetic location: 2q23.3.
Variant type: single nucleotide variant.
Coding change: c.792T>C on transcript NM_000726.5 (MANE Select); coding-DNA position 792, T replaced by C.
Protein change: p.Ser264=; no amino-acid change (serine 264 retained).
Molecular consequence: synonymous variant. On other transcripts: intron variant (3).
Genome position (GRCh38, 1-based): chr2:151,860,787, A>G on the plus strand (T>C on the coding strand, the complement: CACNB4 is on the minus strand). VCF-style: chr2-151860787-A-G. GRCh37 (hg19) VCF-style: chr2-152717301-A-G.
Other names: p.S264S:TCT>TCC; c.738T>C, p.Ser246= (NM_001005746.4); c.690T>C, p.Ser230= (NM_001005747.4); c.792T>C, p.Ser264= (NM_001145798.3); c.651T>C, p.Ser217= (NM_001320722.3, NM_001330118.2); c.138T>C, p.Ser46= (NM_001330114.2); c.234T>C, p.Ser78= (NM_001330117.2); c.626-5412T>C (NM_001330113.2); and 2 more.
Identifiers: ClinVar variation 204922 (VCV000204922.18), dbSNP rs139448267, ClinGen allele CA313372.

ClinVar aggregate classification (germline): Benign/Likely benign. Review status: criteria provided, multiple submitters, no conflicts (2 of 4 stars). 5 submissions from 5 submitters: Benign (3); Likely benign (1). 1 of the submissions does not count toward it. Last evaluated 2024-10-07.

Conditions:
CACNB4-related disorder. Also called: CACNB4-Related Disorders; CACNB4-related condition.
Idiopathic generalized epilepsy. Also called: EIG; Generalised epilepsy. Identifiers: MedGen C0270850, MONDO:0005579, OMIM 600669.

Allele frequency attached by ClinVar (database versions not stated): gnomAD exomes 0.00009 and 0.00030; ExAC 0.00040; TOPMed 0.00106; gnomAD 0.00109 and 0.00110; ESP Exome Variant Server 0.00125; 1000 Genomes Project 30x 0.00219; 1000 Genomes Project 0.00260.
gnomAD v4.1: 300 of 1,613,530 alleles (0.019%); highest among the groups gnomAD compares: African/African-American, 0.38%; 1 homozygote.

Submissions (5):

Blueprint Genetics
Classification: Likely benign. Last evaluated: 2024-10-07. Review status: criteria provided, single submitter. Criteria: ACMG Guidelines, 2015. Collection method: clinical testing. Allele origin: germline.

Labcorp Genetics (formerly Invitae), Labcorp
Classification: Benign for Idiopathic generalized epilepsy. Last evaluated: 2023-12-18. Review status: criteria provided, single submitter. Criteria: Invitae Variant Classification Sherloc (09022015). Collection method: clinical testing. Allele origin: germline.

Eurofins Ntd Llc (ga)
Classification: Benign. Last evaluated: 2016-08-12. Review status: criteria provided, single submitter. Criteria: EGL Classification Definitions 2015. Collection method: clinical testing. Allele origin: germline. Observed: 1 variant allele, 1 heterozygote.

GeneDx
Classification: Benign. Last evaluated: 2014-07-18. Review status: criteria provided, single submitter. Criteria: GeneDx Variant Classification (06012015). Collection method: clinical testing. Allele origin: germline. Affected: yes.
Comment: This variant is considered likely benign or benign based on one or more of the following criteria: it is a conservative change, it occurs at a poorly conserved position in the protein, it is predicted to be benign by multiple in silico algorithms, and/or has population frequency not consistent with disease.

PreventionGenetics, part of Exact Sciences
Classification: Benign for CACNB4-related condition. Last evaluated: 2019-11-26. Review status: no assertion criteria provided. Collection method: clinical testing. Allele origin: germline. Not counted in ClinVar's aggregate classification.
Comment: This variant is classified as benign based on ACMG/AMP sequence variant interpretation guidelines (Richards et al. 2015 PMID: 25741868, with internal and published modifications).